The following is an entry in ClinVar:

NM_177438.3(DICER1):c.4942T>C (p.Cys1648Arg)

Gene: DICER1 (dicer 1, ribonuclease III; minus strand). Cytogenetic location: 14q32.13.
Variant type: single nucleotide variant.
Coding change: c.4942T>C on transcript NM_177438.3 (MANE Select); coding-DNA position 4942, T replaced by C.
Protein change: p.Cys1648Arg; replaces cysteine 1648 with arginine.
Molecular consequence: missense variant. On other transcripts: non-coding transcript variant (6).
Genome position (GRCh38, 1-based): chr14:95,095,978, A>G on the plus strand (T>C on the coding strand, the complement: DICER1 is on the minus strand). VCF-style: chr14-95095978-A-G. GRCh37 (hg19) VCF-style: chr14-95562315-A-G.
Other names: c.4942T>C, p.Cys1648Arg (NM_001195573.1, NM_001271282.3, NM_001291628.2 and 13 more transcripts); c.4660T>C, p.Cys1554Arg (NM_001395686.1); c.4537T>C, p.Cys1513Arg (NM_001395687.1, NM_001395688.1, NM_001395689.1 and 2 more transcripts); c.4375T>C, p.Cys1459Arg (NM_001395691.1); c.3259T>C, p.Cys1087Arg (NM_001395697.1); short protein forms C1648R, C1554R, C1087R, C1459R, C1513R.
Identifiers: ClinVar variation 1744288 (VCV001744288.2), dbSNP rs2542480003, ClinGen allele CA390866264.
Genomic context (GRCh38, chr14:95,095,978, plus strand): 5'-TTTCAAACCCCGATATAAGGTGATTCAGTGTTTTATCTGCATCTGGATGATCAAACATAC[A>G]TCTTGGTGGAATCTTCAAACAACCATATTCCGAGTCTTTCAATACAGAAGAGCGTGAACT-3'
Protein context (NP_803187.1, residues 1638-1658): EYGCLKIPPR[Cys1648Arg]MFDHPDADKT

ClinVar aggregate classification (germline): Uncertain significance (1 of 4 stars; one submission).

Conditions:
Hereditary cancer-predisposing syndrome. Also called: Hereditary Cancer Syndrome; Neoplastic Syndromes, Hereditary; Tumor predisposition; Hereditary neoplastic syndrome. Identifiers: Orphanet 140162, MedGen C0027672, MeSH D009386, MONDO:0015356.

Submission:

Ambry Genetics
Classification: Uncertain significance for Hereditary cancer-predisposing syndrome. Last evaluated: 2021-11-01. Review status: criteria provided, single submitter. Criteria: Ambry Variant Classification Scheme 2023. Collection method: clinical testing. Allele origin: germline.
Comment: The p.C1648R variant (also known as c.4942T>C), located in coding exon 22 of the DICER1 gene, results from a T to C substitution at nucleotide position 4942. The cysteine at codon 1648 is replaced by arginine, an amino acid with highly dissimilar properties. This amino acid position is well conserved in available vertebrate species. In addition, this alteration is predicted to be deleterious by in silico analysis. Since supporting evidence is limited at this time, the clinical significance of this alteration remains unclear.